The following is an entry in ClinVar:

NM_020549.5(CHAT):c.707C>T (p.Ala236Val)

Gene: CHAT (choline O-acetyltransferase; plus strand). Cytogenetic location: 10q11.23.
Variant type: single nucleotide variant.
Coding change: c.707C>T on transcript NM_020549.5 (MANE Select); coding-DNA position 707, C replaced by T.
Protein change: p.Ala236Val; replaces alanine 236 with valine.
Molecular consequence: missense variant.
Genome position (GRCh38, 1-based): chr10:49,622,105, C>T. VCF-style: chr10-49622105-C-T. GRCh37 (hg19) VCF-style: chr10-50830151-C-T.
Other names: c.353C>T, p.Ala118Val (NM_001142929.2, NM_001142934.2, NM_020984.4 and 2 more transcripts); c.461C>T, p.Ala154Val (NM_001142933.2); short protein forms A118V, A154V, A236V.
Identifiers: ClinVar variation 1301761 (VCV001301761.4), dbSNP rs770250348, ClinGen allele CA5497241.

ClinVar aggregate classification (germline): Uncertain significance. Review status: criteria provided, multiple submitters, no conflicts (2 of 4 stars). 2 submissions from 2 submitters: Uncertain significance (2). Last evaluated 2021-12-29.

Conditions:
Familial infantile myasthenia (CMS6). Also called: MYASTHENIC SYNDROME, CONGENITAL, 6, PRESYNAPTIC; MYASTHENIC SYNDROME, PRESYNAPTIC, CONGENITAL, ASSOCIATED WITH EPISODIC APNEA; Congenital myasthenic syndrome type 6. Identifiers: Orphanet 590, MedGen C0393929, MONDO:0009689, OMIM 254210.

Allele frequency attached by ClinVar (database versions not stated): ExAC 0.00002; gnomAD 0.00002; gnomAD exomes 0.00002; TOPMed 0.00002.

Submissions (2):

Labcorp Genetics (formerly Invitae), Labcorp
Classification: Uncertain significance for Familial infantile myasthenia. Last evaluated: 2021-12-29. Review status: criteria provided, single submitter. Criteria: Invitae Variant Classification Sherloc (09022015). Collection method: clinical testing. Allele origin: germline.
Comment: This sequence change replaces alanine, which is neutral and non-polar, with valine, which is neutral and non-polar, at codon 236 of the CHAT protein (p.Ala236Val). This variant is present in population databases (rs770250348, gnomAD 0.009%). This variant has not been reported in the literature in individuals affected with CHAT-related conditions. ClinVar contains an entry for this variant (Variation ID: 1301761). Advanced modeling of protein sequence and biophysical properties (such as structural, functional, and spatial information, amino acid conservation, physicochemical variation, residue mobility, and thermodynamic stability) performed at Invitae indicates that this missense variant is expected to disrupt CHAT protein function. In summary, the available evidence is currently insufficient to determine the role of this variant in disease. Therefore, it has been classified as a Variant of Uncertain Significance.

Dubai Health Genomic Medicine Center, Dubai Health
Classification: Uncertain significance for Familial infantile myasthenia. Last evaluated: 2020-02-18. Review status: criteria provided, single submitter. Criteria: ACMG Guidelines, 2015. Collection method: clinical testing. Allele origin: germline. Affected: yes.